The following is an entry in ClinVar:

NM_000038.6(APC):c.6751C>T (p.Pro2251Ser)

Gene: APC (APC regulator of Wnt signaling pathway; plus strand). Cytogenetic location: 5q22.2.
Variant type: single nucleotide variant.
Coding change: c.6751C>T on transcript NM_000038.6 (MANE Select); coding-DNA position 6751, C replaced by T.
Protein change: p.Pro2251Ser; replaces proline 2251 with serine.
Molecular consequence: missense variant.
Genome position (GRCh38, 1-based): chr5:112,842,345, C>T. VCF-style: chr5-112842345-C-T. GRCh37 (hg19) VCF-style: chr5-112178042-C-T.
Other names: c.6751C>T, p.Pro2251Ser (NM_001127510.3, NM_001354895.2); c.6697C>T, p.Pro2233Ser (NM_001127511.3); c.6805C>T, p.Pro2269Ser (NM_001354896.2); c.6781C>T, p.Pro2261Ser (NM_001354897.2); c.6676C>T, p.Pro2226Ser (NM_001354898.2); c.6667C>T, p.Pro2223Ser (NM_001354899.2); c.6628C>T, p.Pro2210Ser (NM_001354900.2); c.6574C>T, p.Pro2192Ser (NM_001354901.2); and 5 more; short protein forms P2233S, P2251S, P2091S, P2223S, P2192S, P2210S, P2269S, P1968S.
Identifiers: ClinVar variation 216174 (VCV000216174.7), dbSNP rs777206261, ClinGen allele CA336487.

ClinVar aggregate classification (germline): Uncertain significance (1 of 4 stars; one submission).

Conditions:
Familial adenomatous polyposis 1 (FAP1). Also called: FAMILIAL ADENOMATOUS POLYPOSIS 1, ATTENUATED; POLYPOSIS, ADENOMATOUS INTESTINAL. Identifiers: MedGen C2713442, MONDO:0021056, OMIM 175100. Disease mechanism: loss of function.

Submission:

Labcorp Genetics (formerly Invitae), Labcorp
Classification: Uncertain significance for Familial adenomatous polyposis 1. Last evaluated: 2015-04-28. Review status: criteria provided, single submitter. Criteria: Invitae Variant Classification Sherloc (09022015). Collection method: clinical testing. Allele origin: germline.
Comment: This variant has not been published in the literature and is not present in population databases. Algorithms developed to predict the effect of missense changes on protein structure and function do not agree on the potential impact of this missense change (SIFT: "Tolerated"; PolyPhen-2: "Probably Damaging"; Align-GVGD: "Class C0"). In summary, this is a novel missense change with uncertain impact on protein function. It has been classified as a Variant of Uncertain Significance. This sequence change replaces proline with serine at codon 2251 of the APC protein (p.Pro2251Ser). The proline residue is highly conserved and there is a moderate physicochemical difference between proline and serine.